The following is an entry in ClinVar:

ClinVar aggregate classification (germline): Uncertain significance. Review status: criteria provided, multiple submitters, no conflicts (2 of 4 stars). 4 submissions from 4 submitters: Uncertain significance (3). 1 of the submissions does not count toward it. Last evaluated 2026-01-18.

Conditions:
DNA2-related disorder. Also called: DNA2-related condition.
Inborn genetic diseases. Identifiers: MedGen C0950123, MeSH D030342.

Allele frequency attached by ClinVar (database versions not stated): gnomAD exomes 0.00009 and 0.00016; gnomAD 0.00011 and 0.00012; TOPMed 0.00012; ExAC 0.00014.
gnomAD v4.1: 253 of 1,599,450 alleles (0.016%); highest among the groups gnomAD compares: Non-Finnish European, 0.021%; no homozygotes.

Submissions (4):

Labcorp Genetics (formerly Invitae), Labcorp
Classification: Uncertain significance. Last evaluated: 2026-01-18. Review status: criteria provided, single submitter. Criteria: Invitae Variant Classification Sherloc (09022015). Collection method: clinical testing. Allele origin: germline.
Comment: This sequence change replaces leucine, which is neutral and non-polar, with tryptophan, which is neutral and slightly polar, at codon 332 of the DNA2 protein (p.Leu332Trp). This variant is present in population databases (rs773057527, gnomAD 0.02%). This variant has not been reported in the literature in individuals affected with DNA2-related conditions. ClinVar contains an entry for this variant (Variation ID: 1219028). Invitae Evidence Modeling of protein sequence and biophysical properties (such as structural, functional, and spatial information, amino acid conservation, physicochemical variation, residue mobility, and thermodynamic stability) indicates that this missense variant is not expected to disrupt DNA2 protein function with a negative predictive value of 80%. In summary, the available evidence is currently insufficient to determine the role of this variant in disease. Therefore, it has been classified as a Variant of Uncertain Significance.

Ambry Genetics
Classification: Uncertain significance for Inborn genetic diseases. Last evaluated: 2022-08-08. Review status: criteria provided, single submitter. Criteria: Ambry Variant Classification Scheme 2023. Collection method: clinical testing. Allele origin: germline.

GeneDx
Classification: Uncertain significance. Last evaluated: 2020-12-02. Review status: criteria provided, single submitter. Criteria: GeneDx Variant Classification Process June 2021. Collection method: clinical testing. Allele origin: germline. Affected: yes.
Comment: Has not been previously published as pathogenic or benign to our knowledge; In silico analysis supports that this missense variant has a deleterious effect on protein structure/function

PreventionGenetics, part of Exact Sciences
Classification: Uncertain significance for DNA2-related condition. Last evaluated: 2024-09-18. Review status: no assertion criteria provided. Collection method: clinical testing. Allele origin: germline. Not counted in ClinVar's aggregate classification.
Comment: The DNA2 c.995T>G variant is predicted to result in the amino acid substitution p.Leu332Trp. To our knowledge, this variant has not been reported in the literature. This variant is reported in 0.021% of alleles in individuals of European (Non-Finnish) descent in gnomAD. At this time, the clinical significance of this variant is uncertain due to the absence of conclusive functional and genetic evidence.

NM_001080449.3(DNA2):c.995T>G (p.Leu332Trp)

Gene: DNA2 (DNA replication helicase/nuclease 2; minus strand). Cytogenetic location: 10q21.3.
Variant type: single nucleotide variant.
Coding change: c.995T>G on transcript NM_001080449.3 (MANE Select); coding-DNA position 995, T replaced by G.
Protein change: p.Leu332Trp; replaces leucine 332 with tryptophan.
Molecular consequence: missense variant. On other transcripts: non-coding transcript variant (1).
Genome position (GRCh38, 1-based): chr10:68,446,358, A>C on the plus strand (T>G on the coding strand, the complement: DNA2 is on the minus strand). VCF-style: chr10-68446358-A-C. GRCh37 (hg19) VCF-style: chr10-70206115-A-C.
Other names: short protein forms L332W.
Identifiers: ClinVar variation 1219028 (VCV001219028.13), dbSNP rs773057527, ClinGen allele CA5525163.
Genomic context (GRCh38, chr10:68,446,358, plus strand): 5'-CTTTTATCTAGATGGTTGGCAGGCACAGGGTACATCTGACCAGTCTTGAGGTAGAGAAGC[A>C]AGCCAGCCTCTGGATCAGCTCTTCTCTCTTGGCTTAGTAGAGTGTACAGAACAACCTGTG-3'
Protein context (NP_001073918.2, residues 322-342): QERRADPEAG[Leu332Trp]LLYLKTGQMY